The following is an entry in ClinVar:

ClinVar aggregate classification (germline): Conflicting classifications of pathogenicity. Review status: criteria provided, conflicting classifications (1 of 4 stars). 7 submissions from 7 submitters: Uncertain significance (3); Benign (2); Likely benign (1). 1 of the submissions does not count toward it. Last evaluated 2026-01-11.

Conditions:
DES-related disorder. Also called: DES-related condition.
Desmin-related myofibrillar myopathy (MFM1). Also called: Myofibrillar myopathy 1; MYOFIBRILLAR MYOPATHY WITH ARRHYTHMOGENIC RIGHT VENTRICULAR CARDIOMYOPATHY; DESMIN-RELATED MYOPATHY WITH ARRHYTHMOGENIC RIGHT VENTRICULAR CARDIOMYOPATHY; Desminopathy; Desmin related myopathy (former name); Desmin storage myopathy (former name). Identifiers: Orphanet 363543, Orphanet 98909, MedGen C1832370, MONDO:0011076, OMIM 601419.
Cardiovascular phenotype. Identifiers: MedGen CN230736.
Cardiomyopathy (CMYO). Also called: Cardiomyopathies. Identifiers: Orphanet 167848, MedGen C0878544, MONDO:0004994, HP:0001638. Inheritance: Various modes of inheritance.

Allele frequency attached by ClinVar (database versions not stated): gnomAD 0.00001 and 0.00005; TOPMed 0.00001; gnomAD exomes 0.00009 and 0.00018; ExAC 0.00021.
gnomAD v4.1: 135 of 1,613,962 alleles (0.0084%); highest among the groups gnomAD compares: South Asian, 0.13%; 4 homozygotes.

Submissions (7):

Labcorp Genetics (formerly Invitae), Labcorp
Classification: Likely benign for Desmin-related myofibrillar myopathy. Last evaluated: 2026-01-11. Review status: criteria provided, single submitter. Criteria: Invitae Variant Classification Sherloc (09022015). Collection method: clinical testing. Allele origin: germline.

Revvity Omics, Revvity
Classification: Uncertain significance. Last evaluated: 2024-09-08. Review status: criteria provided, single submitter. Criteria: ACMG Guidelines, 2015. Collection method: clinical testing. Allele origin: germline.

Ambry Genetics
Classification: Benign for Cardiovascular phenotype. Last evaluated: 2023-09-06. Review status: criteria provided, single submitter. Criteria: Ambry Variant Classification Scheme 2023. Collection method: clinical testing. Allele origin: germline.

GeneDx
Classification: Uncertain significance. Last evaluated: 2023-02-27. Review status: criteria provided, single submitter. Criteria: GeneDx Variant Classification Process June 2021. Collection method: clinical testing. Allele origin: germline. Affected: yes.
Comment: Has not been previously published as pathogenic or benign to our knowledge; In silico analysis supports that this missense variant has a deleterious effect on protein structure/function; This variant is associated with the following publications: (PMID: 30564623, 26807690)

CHEO Genetics Diagnostic Laboratory, Children's Hospital of Eastern Ontario
Classification: Benign for Cardiomyopathy. Last evaluated: 2018-04-17. Review status: criteria provided, single submitter. Criteria: ACMG Guidelines, 2015. Collection method: clinical testing. Allele origin: germline.

Eurofins Ntd Llc (ga)
Classification: Uncertain significance. Last evaluated: 2016-08-08. Review status: criteria provided, single submitter. Criteria: EGL Classification Definitions 2015. Collection method: clinical testing. Allele origin: germline. Observed: 1 variant allele, 1 heterozygote.

PreventionGenetics, part of Exact Sciences
Classification: Likely benign for DES-related condition. Last evaluated: 2024-09-03. Review status: no assertion criteria provided. Collection method: clinical testing. Allele origin: germline. Not counted in ClinVar's aggregate classification.
Comment: This variant is classified as likely benign based on ACMG/AMP sequence variant interpretation guidelines (Richards et al. 2015 PMID: 25741868, with internal and published modifications).

NM_001927.4(DES):c.1180G>A (p.Val394Met)

Gene: DES (desmin; plus strand). Cytogenetic location: 2q35.
Variant type: single nucleotide variant.
Coding change: c.1180G>A on transcript NM_001927.4 (MANE Select); coding-DNA position 1180, G replaced by A.
Protein change: p.Val394Met; replaces valine 394 with methionine.
Molecular consequence: missense variant.
Genome position (GRCh38, 1-based): chr2:219,421,496, G>A. VCF-style: chr2-219421496-G-A. GRCh37 (hg19) VCF-style: chr2-220286218-G-A.
Other names: c.1180G>A (LRG_380t1); short protein forms V394M.
Identifiers: ClinVar variation 290212 (VCV000290212.23), dbSNP rs776786349, ClinGen allele CA2125253.